The following is an entry in ClinVar:

NM_138694.4(PKHD1):c.5692A>G (p.Asn1898Asp)

Gene: PKHD1 (PKHD1 ciliary IPT domain containing fibrocystin/polyductin; minus strand). Cytogenetic location: 6p12.2.
Variant type: single nucleotide variant.
Coding change: c.5692A>G on transcript NM_138694.4 (MANE Select); coding-DNA position 5692, A replaced by G.
Protein change: p.Asn1898Asp; replaces asparagine 1898 with aspartic acid.
Molecular consequence: missense variant.
Genome position (GRCh38, 1-based): chr6:52,010,368, T>C on the plus strand (A>G on the coding strand, the complement: PKHD1 is on the minus strand). VCF-style: chr6-52010368-T-C. GRCh37 (hg19) VCF-style: chr6-51875166-T-C.
Other names: c.5692A>G, p.Asn1898Asp (NM_170724.3); c.5692A>G (NM_138694.3); short protein forms N1898D.
Identifiers: ClinVar variation 1435623 (VCV001435623.9), dbSNP rs756825030, ClinGen allele CA3852454.

ClinVar aggregate classification (germline): Uncertain significance. Review status: criteria provided, multiple submitters, no conflicts (2 of 4 stars). 4 submissions from 4 submitters: Uncertain significance (4). Last evaluated 2026-09-04.

Conditions:
PKHD1-related disorder. Also called: PKHD1-related condition.
Inborn genetic diseases. Identifiers: MedGen C0950123, MeSH D030342.
Polycystic kidney disease 4 (PKD4). Also called: POLYCYSTIC KIDNEY AND HEPATIC DISEASE 1; POLYCYSTIC KIDNEY DISEASE, INFANTILE, TYPE I; POLYCYSTIC KIDNEY DISEASE 4 WITH OR WITHOUT POLYCYSTIC LIVER DISEASE; Autosomal Recessive Polycystic Kidney Disease – PKHD1; PKD3. Identifiers: MedGen C4540575, MONDO:0033004, OMIM 263200.
Autosomal recessive polycystic kidney disease (ARPKD). Also called: AR polycystic kidney disease. Identifiers: Orphanet 731, Orphanet 8378, MedGen C0085548, MeSH D017044, MONDO:0009889.

Allele frequency attached by ClinVar (database versions not stated): gnomAD 0.00012 and 0.00014; TOPMed 0.00015.
gnomAD v4.1: 32 of 1,613,422 alleles (0.002%); highest among the groups gnomAD compares: African/African-American, 0.041%; no homozygotes.

Submissions (4):

PreventionGenetics, part of Exact Sciences
Classification: Uncertain significance for PKHD1-related condition. Last evaluated: 2026-09-04. Review status: criteria provided, single submitter. Criteria: ACMG Guidelines, 2015. Collection method: clinical testing. Allele origin: germline.
Comment: The PKHD1 c.5692A>G variant is predicted to result in the amino acid substitution p.Asn1898Asp. To our knowledge, this variant has not been reported in the literature. This variant is reported in 0.024% of alleles in individuals of African descent in gnomAD. At this time, the clinical significance of this variant is uncertain due to the absence of conclusive functional and genetic evidence.

Labcorp Genetics (formerly Invitae), Labcorp
Classification: Uncertain significance for Autosomal recessive polycystic kidney disease. Last evaluated: 2025-06-12. Review status: criteria provided, single submitter. Criteria: Invitae Variant Classification Sherloc (09022015). Collection method: clinical testing. Allele origin: germline.
Comment: This sequence change replaces asparagine, which is neutral and polar, with aspartic acid, which is acidic and polar, at codon 1898 of the PKHD1 protein (p.Asn1898Asp). This variant is present in population databases (rs756825030, gnomAD 0.02%). This variant has not been reported in the literature in individuals affected with PKHD1-related conditions. ClinVar contains an entry for this variant (Variation ID: 1435623). Invitae Evidence Modeling of protein sequence and biophysical properties (such as structural, functional, and spatial information, amino acid conservation, physicochemical variation, residue mobility, and thermodynamic stability) has been performed for this missense variant. However, the output from this modeling did not meet the statistical confidence thresholds required to predict the impact of this variant on PKHD1 protein function. In summary, the available evidence is currently insufficient to determine the role of this variant in disease. Therefore, it has been classified as a Variant of Uncertain Significance.

Ambry Genetics
Classification: Uncertain significance for Inborn genetic diseases. Last evaluated: 2024-10-08. Review status: criteria provided, single submitter. Criteria: Ambry Variant Classification Scheme 2023. Collection method: clinical testing. Allele origin: germline.

Fulgent Genetics
Classification: Uncertain significance for Polycystic kidney disease 4. Last evaluated: 2022-04-24. Review status: criteria provided, single submitter. Criteria: ACMG Guidelines, 2015. Collection method: clinical testing. Allele origin: unknown.